The following is an entry in ClinVar:

ClinVar aggregate classification (germline): Uncertain significance. Review status: criteria provided, multiple submitters, no conflicts (2 of 4 stars). 2 submissions from 2 submitters: Uncertain significance (2). Last evaluated 2025-01-17.

Conditions:
Inborn genetic diseases. Identifiers: MedGen C0950123, MeSH D030342.

Allele frequency attached by ClinVar (database versions not stated): gnomAD 0.00001 and 0.00002; TOPMed 0.00003; gnomAD exomes 0.00015; ExAC 0.00073.
gnomAD v4.1: 76 of 1,546,918 alleles (0.0049%); highest among the groups gnomAD compares: South Asian, 0.083%; no homozygotes.

Submissions (2):

Ambry Genetics
Classification: Uncertain significance for Inborn genetic diseases. Last evaluated: 2025-01-17. Review status: criteria provided, single submitter. Criteria: Ambry Variant Classification Scheme 2023. Collection method: clinical testing. Allele origin: germline.

Labcorp Genetics (formerly Invitae), Labcorp
Classification: Uncertain significance. Last evaluated: 2022-02-10. Review status: criteria provided, single submitter. Criteria: Invitae Variant Classification Sherloc (09022015). Collection method: clinical testing. Allele origin: germline.
Comment: This sequence change replaces alanine, which is neutral and non-polar, with threonine, which is neutral and polar, at codon 276 of the ARPC1B protein (p.Ala276Thr). This variant is present in population databases (rs780914634, gnomAD 0.09%). This variant has not been reported in the literature in individuals affected with ARPC1B-related conditions. Algorithms developed to predict the effect of missense changes on protein structure and function output the following: SIFT: "Tolerated"; PolyPhen-2: "Benign"; Align-GVGD: "Class C0". The threonine amino acid residue is found in multiple mammalian species, which suggests that this missense change does not adversely affect protein function. In summary, the available evidence is currently insufficient to determine the role of this variant in disease. Therefore, it has been classified as a Variant of Uncertain Significance.

NM_005720.4(ARPC1B):c.826G>A (p.Ala276Thr)

Gene: ARPC1B (actin related protein 2/3 complex subunit 1B; plus strand). Cytogenetic location: 7q22.1.
Variant type: single nucleotide variant.
Coding change: c.826G>A on transcript NM_005720.4 (MANE Select); coding-DNA position 826, G replaced by A.
Protein change: p.Ala276Thr; replaces alanine 276 with threonine.
Molecular consequence: missense variant.
Genome position (GRCh38, 1-based): chr7:99,392,713, G>A. VCF-style: chr7-99392713-G-A. GRCh37 (hg19) VCF-style: chr7-98990336-G-A.
Other names: c.826G>A (NM_005720.3); short protein forms A276T.
Identifiers: ClinVar variation 1411254 (VCV001411254.6), dbSNP rs780914634, ClinGen allele CA4364150.
Genomic context (GRCh38, chr7:99,392,713, plus strand): 5'-CCCCCGCCCTCCGCGCAGGGCCACGACTGCTTCCCGGTGCTGTTCACCTATGACGCCGCC[G>A]CGGGGATGCTGAGCTTCGGCGGGCGGCTGGACGTTCCTAAGCAGAGCTCGCAGCGTGGCT-3'
Protein context (NP_005711.1, residues 266-286): FPVLFTYDAA[Ala276Thr]GMLSFGGRLD